The following is an entry in ClinVar:

ClinVar aggregate classification (germline): Uncertain significance (1 of 4 stars; one submission).

Submission:

Labcorp Genetics (formerly Invitae), Labcorp
Classification: Uncertain significance. Last evaluated: 2019-12-12. Review status: criteria provided, single submitter. Criteria: Invitae Variant Classification Sherloc (09022015). Collection method: clinical testing. Allele origin: germline.
Comment: In summary, the available evidence is currently insufficient to determine the role of this variant in disease. Therefore, it has been classified as a Variant of Uncertain Significance. Algorithms developed to predict the effect of missense changes on protein structure and function output the following: SIFT: "Tolerated"; PolyPhen-2: "Benign"; Align-GVGD: "Class C0". The glycine amino acid residue is found in multiple mammalian species, suggesting that this missense change does not adversely affect protein function. These predictions have not been confirmed by published functional studies and their clinical significance is uncertain. This variant has not been reported in the literature in individuals with SAMD11-related conditions. The frequency data for this variant in the population databases is considered unreliable, as metrics indicate insufficient coverage at this position in the ExAC database. This sequence change replaces arginine with glycine at codon 482 of the SAMD11 protein (p.Arg482Gly). The arginine residue is weakly conserved and there is a moderate physicochemical difference between arginine and glycine.

NM_001385641.1(SAMD11):c.1933A>G (p.Arg645Gly)

Gene: SAMD11 (sterile alpha motif domain containing 11; plus strand). Cytogenetic location: 1p36.33.
Variant type: single nucleotide variant.
Coding change: c.1933A>G on transcript NM_001385641.1 (MANE Select); coding-DNA position 1933, A replaced by G.
Protein change: p.Arg645Gly; replaces arginine 645 with glycine.
Molecular consequence: missense variant.
Genome position (GRCh38, 1-based): chr1:942,938, A>G. VCF-style: chr1-942938-A-G. GRCh37 (hg19) VCF-style: chr1-878318-A-G.
Other names: c.1936A>G, p.Arg646Gly (NM_001385640.1); c.1444A>G, p.Arg482Gly (NM_152486.4); short protein forms R482G, R645G, R646G.
Identifiers: ClinVar variation 862587 (VCV000862587.9), dbSNP rs1641882544, ClinGen allele CA337812491.